The following is an entry in ClinVar:

ClinVar aggregate classification (germline): Uncertain significance (1 of 4 stars; one submission).

Conditions:
Infantile-onset X-linked spinal muscular atrophy. Also called: Spinal Muscular Atrophy, X-Linked Infantile; SPINAL MUSCULAR ATROPHY, X-LINKED LETHAL INFANTILE; Spinal muscular atrophy, X-linked 2; AMC, DISTAL, X-LINKED; ARTHROGRYPOSIS, X-LINKED, TYPE I. Identifiers: Orphanet 1145, MedGen C1844934, MONDO:0010532, OMIM 301830.

Submission:

Labcorp Genetics (formerly Invitae), Labcorp
Classification: Uncertain significance for Infantile-onset X-linked spinal muscular atrophy. Last evaluated: 2024-12-02. Review status: criteria provided, single submitter. Criteria: Invitae Variant Classification Sherloc (09022015). Collection method: clinical testing. Allele origin: germline.
Comment: This sequence change replaces glutamic acid, which is acidic and polar, with glutamine, which is neutral and polar, at codon 430 of the UBA1 protein (p.Glu430Gln). This variant is not present in population databases (gnomAD no frequency). This variant has not been reported in the literature in individuals affected with UBA1-related conditions. ClinVar contains an entry for this variant (Variation ID: 2013525). An algorithm developed to predict the effect of missense changes on protein structure and function (PolyPhen-2) suggests that this variant is likely to be disruptive. In summary, the available evidence is currently insufficient to determine the role of this variant in disease. Therefore, it has been classified as a Variant of Uncertain Significance.

NM_003334.4(UBA1):c.1288G>C (p.Glu430Gln)

Gene: UBA1 (ubiquitin like modifier activating enzyme 1; plus strand). Cytogenetic location: Xp11.3.
Variant type: single nucleotide variant.
Coding change: c.1288G>C on transcript NM_003334.4 (MANE Select); coding-DNA position 1288, G replaced by C.
Protein change: p.Glu430Gln; replaces glutamic acid 430 with glutamine.
Molecular consequence: missense variant.
Genome position (GRCh38, 1-based): chrX:47,202,997, G>C. VCF-style: chrX-47202997-G-C. GRCh37 (hg19) VCF-style: chrX-47062396-G-C.
Other names: c.1288G>C, p.Glu430Gln (NM_153280.3); short protein forms E430Q.
Identifiers: ClinVar variation 2013525 (VCV002013525.4), dbSNP rs2521455565, ClinGen allele CA412797158.
Genomic context (GRCh38, chrX:47,202,997, plus strand): 5'-CTCCAGGCCTGCTCCGGGAAGTTCATGCCCATCATGCAGTGGCTATACTTTGATGCCCTT[G>C]AGTGTCTCCCTGAGGACAAAGAGGTCCTCACAGAGGACAAGTGCCTCCAGGTATGTGGGT-3'
Protein context (NP_003325.2, residues 420-440): IMQWLYFDAL[Glu430Gln]CLPEDKEVLT